The following is an entry in ClinVar:

NM_007194.4(CHEK2):c.684-2A>G

Gene: CHEK2 (checkpoint kinase 2; minus strand). Cytogenetic location: 22q12.1.
Variant type: single nucleotide variant.
Coding change: c.684-2A>G on transcript NM_007194.4 (MANE Select); the canonical splice acceptor site of the intron before coding-DNA position 684, A replaced by G.
Molecular consequence: splice acceptor variant.
Genome position (GRCh38, 1-based): chr22:28,712,019, T>C on the plus strand (A>G on the coding strand, the complement: CHEK2 is on the minus strand). VCF-style: chr22-28712019-T-C. GRCh37 (hg19) VCF-style: chr22-29108007-T-C.
Other names: c.777-2A>G (NM_001438293.1, NM_001438295.1); c.813-2A>G (NM_001438294.1, NM_001005735.3); c.21-2A>G (NM_001437942.1, NM_001257387.3); c.483-2A>G (NM_001349956.3); c.684-2A>G (NM_145862.3, NM_007194.3).
Identifiers: ClinVar variation 1066705 (VCV001066705.20), dbSNP rs2053419665, ClinGen allele CA411103532.

ClinVar aggregate classification (germline): Pathogenic/Likely pathogenic. Review status: criteria provided, multiple submitters, no conflicts (2 of 4 stars). 9 submissions from 9 submitters: Pathogenic (2); Likely pathogenic (7). Last evaluated 2026-01-14.

Conditions:
Hereditary cancer-predisposing syndrome. Also called: Neoplastic Syndromes, Hereditary; Hereditary neoplastic syndrome; Tumor predisposition; Hereditary Cancer Syndrome. Identifiers: Orphanet 140162, MedGen C0027672, MeSH D009386, MONDO:0015356.
CHEK2-related cancer predisposition (TPDS4). Also called: CHEK2-related cancer susceptibility; TUMOR PREDISPOSITION SYNDROME 4; CANCER PREDISPOSITION SYNDROME, CHEK2-RELATED. Identifiers: Orphanet 524, MedGen C5882668, MONDO:0700271, OMIM 609265.
Prostate cancer. Also called: Malignant tumor of prostate. Identifiers: Orphanet 1331, MedGen C0376358, MONDO:0008315, HP:0012125.
Familial cancer of breast. Also called: BREAST CANCER, FAMILIAL; Hereditary breast cancer; hereditary breast carcinoma. Identifiers: Orphanet 227535, MedGen C0346153, MONDO:0016419, OMIM 114480. Disease mechanism: loss of function.
Bone osteosarcoma. Also called: Osteosarcoma, somatic. Identifiers: Orphanet 668, MedGen C0585442, MONDO:0002629, OMIM 259500.
Colorectal cancer. Also called: Malignant Colorectal Neoplasm; Colorectal cancer, somatic. Identifiers: MedGen C0346629, MONDO:0005575, OMIM 114500.
Hereditary breast ovarian cancer syndrome. Also called: Hereditary breast and ovarian cancer syndrome; Hereditary breast and ovarian cancer syndrome (HBOC); Hereditary breast and/or ovarian cancer syndrome; BRCA1- and BRCA2-Associated Hereditary Breast and Ovarian Cancer; Hereditary breast and ovarian cancer; Breast and ovarian cancer. Identifiers: Orphanet 145, MedGen C0677776, MeSH D061325, MONDO:0003582. Disease mechanism: loss of function.

Allele frequency attached by ClinVar (database versions not stated): gnomAD exomes below 0.00001.
gnomAD v4.1: 4 of 1,605,454 alleles (0.00025%); highest among the groups gnomAD compares: Non-Finnish European, 0.00034%; no homozygotes.

Submissions (9):

Ambry Genetics
Classification: Likely pathogenic for Hereditary cancer-predisposing syndrome. Last evaluated: 2026-01-14. Review status: criteria provided, single submitter. Criteria: Ambry Variant Classification Scheme 2023. Collection method: clinical testing. Allele origin: germline.
Comment: The c.684-2A>G intronic variant results from an A to G substitution two nucleotides before coding exon 5 in the CHEK2 gene. This variant is considered to be rare based on population cohorts in the Genome Aggregation Database (gnomAD). This nucleotide position is highly conserved in available vertebrate species. This variant is considered to be rare based on population cohorts in the Genome Aggregation Database (gnomAD).In silico splice site analysis predicts that this alteration will weaken the native splice acceptor site; however, direct evidence is insufficient at this time (Ambry internal data). Of note, this alteration is also designated as c.813-2A>G in the published literature. Alterations that disrupt the canonical splice site are expected to cause aberrant splicing, resulting in an abnormal protein or a transcript that is subject to nonsense-mediated mRNA decay. As such, this alteration is classified as likely pathogenic.

Labcorp Genetics (formerly Invitae), Labcorp
Classification: Likely pathogenic for Familial cancer of breast. Last evaluated: 2025-10-22. Review status: criteria provided, single submitter. Criteria: Invitae Variant Classification Sherloc (09022015). Collection method: clinical testing. Allele origin: germline.
Comment: This sequence change affects an acceptor splice site in intron 5 of the CHEK2 gene. RNA analysis indicates that disruption of this splice site induces altered splicing and may result in an absent or altered protein product. This variant is not present in population databases (gnomAD no frequency). Disruption of this splice site has been observed in individual(s) with breast and/or ovarian cancer (PMID: 26534844, 29522266, 30287823). ClinVar contains an entry for this variant (Variation ID: 1066705). Studies have shown that disruption of this splice site results in activation of a cryptic splice site, and produces a non-functional protein and/or introduces a premature termination codon (PMID: 37725924; internal data). In summary, the currently available evidence indicates that the variant is pathogenic, but additional data are needed to prove that conclusively. Therefore, this variant has been classified as Likely Pathogenic.

German Consortium for Hereditary Breast and Ovarian Cancer, University Hospital Cologne
Classification: Likely pathogenic for Hereditary breast ovarian cancer syndrome. Last evaluated: 2024-05-28. Review status: criteria provided, single submitter. Criteria: ACMG Guidelines, 2015. Collection method: curation. Allele origin: germline.
Comment: According to the ACMG SVI adaptation criteria we chose these criteria: PVS1 (very strong pathogenic): Null variant (nonsense, frameshift, canonical +/-1 or 2 splice sites, initiation codon, single or multi-exon deletion) in a gene where loss of function (LOF) is a known mechanism of disease , PM2 (supporting pathogenic): not in gnomAD

Baylor Genetics
Classification: Likely pathogenic for Familial cancer of breast. Last evaluated: 2023-11-02. Review status: criteria provided, single submitter. Criteria: ACMG Guidelines, 2015. Collection method: clinical testing. Allele origin: unknown.

Myriad Genetics, Inc.
Classification: Likely pathogenic for Familial cancer of breast. Last evaluated: 2023-06-26. Review status: criteria provided, single submitter. Criteria: Myriad Autosomal Dominant, Autosomal Recessive and X-Linked Classification Criteria (2023). Collection method: clinical testing. Allele origin: unknown.
Comment: This variant is considered likely pathogenic. This variant occurs within a consensus splice junction and is predicted to result in abnormal mRNA splicing of either an out-of-frame exon or an in-frame exon necessary for protein stability and/or normal function.

Color Diagnostics, LLC DBA Color Health
Classification: Likely pathogenic for Hereditary cancer-predisposing syndrome. Last evaluated: 2023-02-16. Review status: criteria provided, single submitter. Criteria: ACMG Guidelines, 2015. Collection method: clinical testing. Allele origin: germline.
Comment: This variant causes an A to G nucleotide substitution at the -2 position of intron 5 of the CHEK2 gene. Splice site prediction tools predict that this variant may have a significant impact on RNA splicing. Although this prediction has not been confirmed in published RNA studies, this variant is expected to result in an absent or disrupted protein product. This variant has been reported in individuals affected with breast cancer (PMID: 26534844, 29522266, 30287823). This variant has not been identified in the general population by the Genome Aggregation Database (gnomAD). Loss of CHEK2 function is a known mechanism of disease. Based on the available evidence, this variant is classified as Likely Pathogenic.

Department of Pathology and Laboratory Medicine, Sinai Health System
Classification: Pathogenic for CHEK2-related cancer predisposition. Last evaluated: 2022-11-01. Review status: criteria provided, single submitter. Criteria: ACMG Guidelines, 2015. Collection method: clinical testing. Allele origin: germline. Affected: yes.

Fulgent Genetics
Classification: Likely pathogenic for Familial cancer of breast; Colorectal cancer; Familial prostate cancer; Bone osteosarcoma; CHEK2-related cancer predisposition. Last evaluated: 2022-05-25. Review status: criteria provided, single submitter. Criteria: ACMG Guidelines, 2015. Collection method: clinical testing. Allele origin: unknown.

Genetics and Molecular Pathology, SA Pathology
Classification: Pathogenic for Familial cancer of breast. Last evaluated: 2022-04-22. Review status: criteria provided, single submitter. Criteria: ACMG Guidelines, 2015. Collection method: clinical testing. Allele origin: germline. Affected: yes.

Literature cited by the submitters: PubMed 26534844 (cited by 4 submitters); PubMed 29522266 (cited by Labcorp Genetics (formerly Invitae), Labcorp and Color Diagnostics, LLC DBA Color Health); PubMed 30287823 (cited by Labcorp Genetics (formerly Invitae), Labcorp and Color Diagnostics, LLC DBA Color Health); PubMed 37725924 (cited by Labcorp Genetics (formerly Invitae), Labcorp).